The following is an entry in ClinVar:

ClinVar aggregate classification (germline): Uncertain significance (1 of 4 stars; one submission).

Submission:

GeneDx
Classification: Uncertain significance. Last evaluated: 2025-09-17. Review status: criteria provided, single submitter. Criteria: GeneDx Variant Classification Process June 2021. Collection method: clinical testing. Allele origin: germline. Affected: yes.
Comment: Not observed at significant frequency in large population cohorts (gnomAD); In silico analysis suggests that this missense variant does not alter protein structure/function; Has not been previously published as pathogenic or benign to our knowledge

NM_001003694.2(BRPF1):c.3640A>C (p.Ser1214Arg)

Gene: BRPF1 (bromodomain and PHD finger containing 1; plus strand). Cytogenetic location: 3p25.3.
Variant type: single nucleotide variant.
Coding change: c.3640A>C on transcript NM_001003694.2 (MANE Select); coding-DNA position 3640, A replaced by C.
Protein change: p.Ser1214Arg; replaces serine 1214 with arginine.
Molecular consequence: missense variant. On other transcripts: non-coding transcript variant (1).
Genome position (GRCh38, 1-based): chr3:9,747,326, A>C. VCF-style: chr3-9747326-A-C. GRCh37 (hg19) VCF-style: chr3-9789010-A-C.
Other names: c.3337A>C, p.Ser1113Arg (NM_001319049.2); c.3619A>C, p.Ser1207Arg (NM_001319050.2); c.3622A>C, p.Ser1208Arg (NM_004634.3); short protein forms S1113R, S1207R, S1208R, S1214R.
Identifiers: ClinVar variation 1696990 (VCV001696990.3), dbSNP rs2125518099, ClinGen allele CA351707108.